The following is an entry in ClinVar:

NM_000252.3(MTM1):c.63+1G>T

Gene: MTM1 (myotubularin 1; plus strand). Cytogenetic location: Xq28.
Variant type: single nucleotide variant.
Coding change: c.63+1G>T on transcript NM_000252.3 (MANE Select); the canonical splice donor site of the intron after coding-DNA position 63, G replaced by T.
Molecular consequence: splice donor variant.
Genome position (GRCh38, 1-based): chrX:150,592,678, G>T. VCF-style: chrX-150592678-G-T. GRCh37 (hg19) VCF-style: chrX-149761140-G-T.
Other names: c.63+1G>T (NM_001376908.1, NM_001376906.1, NM_001376907.1).
Identifiers: ClinVar variation 1301887 (VCV001301887.1), dbSNP rs587783843, ClinGen allele CA415248527.

ClinVar aggregate classification (germline): Pathogenic (1 of 4 stars; one submission).

Conditions:
Severe X-linked myotubular myopathy (CNMX). Also called: MYOTUBULAR MYOPATHY 1; X-linked centronuclear myopathy; Myotubular myopathy, X-linked. Identifiers: Orphanet 596, MedGen C0410203, MONDO:0010683, OMIM 310400.

Submission:

Rady Children's Institute for Genomic Medicine, Rady Children's Hospital San Diego
Classification: Pathogenic for MYOPATHY, CENTRONUCLEAR, X-LINKED. Last evaluated: 2020-08-12. Review status: criteria provided, single submitter. Criteria: ACMG Guidelines, 2015. Collection method: clinical testing. Allele origin: germline. Affected: yes.
Comment: This variant affects the canonical splice donor site of intron 2 and is therefore predicted to interfere with splicing and result in loss of normal protein function through either protein truncation or nonsense-mediated mRNA decay (NMD). This variant has not been previously reported or functionally characterized in the literature to our knowledge. However, other variants at this donor splice site, c.63+1G>A and c.63+1G>C, have been previously reported in patients with X-linked Myotubular Myopathy (PMID: 10790201, 23346162). It is absent from the gnomAD population database and thus is presumed to be rare. Based on the available evidence, the c.63+1G>T variant is classified as Pathogenic.